The following is an entry in ClinVar:

ClinVar aggregate classification (germline): Benign/Likely benign. Review status: criteria provided, multiple submitters, no conflicts (2 of 4 stars). 5 submissions from 5 submitters: Benign (1); Likely benign (4). Last evaluated 2025-03-04.

Conditions:
Hereditary nonpolyposis colorectal neoplasms. Identifiers: MedGen C0009405, MeSH D003123.
Lynch syndrome 4 (LYNCH4). Also called: Colorectal cancer, hereditary nonpolyposis, type 4; Hereditary non-polyposis colorectal cancer, type 4. Identifiers: Orphanet 144, MedGen C1838333, MONDO:0013699, OMIM 614337. Disease mechanism: loss of function.
Hereditary cancer-predisposing syndrome. Also called: Hereditary Cancer Syndrome; Hereditary neoplastic syndrome; Neoplastic Syndromes, Hereditary; Tumor predisposition. Identifiers: Orphanet 140162, MedGen C0027672, MeSH D009386, MONDO:0015356.

Allele frequency attached by ClinVar (database versions not stated): gnomAD exomes below 0.00001; TOPMed below 0.00001.
gnomAD v4.1: 4 of 1,614,178 alleles (0.00025%); highest among the groups gnomAD compares: Non-Finnish European, 0.00034%; no homozygotes.

Submissions (5):

Center for Genomic Medicine, Rigshospitalet, Copenhagen University Hospital
Classification: Likely benign. Last evaluated: 2025-03-04. Review status: criteria provided, single submitter. Criteria: ACMG Guidelines, 2015. Collection method: clinical testing. Allele origin: germline.

Myriad Genetics, Inc.
Classification: Benign for Lynch syndrome 4. Last evaluated: 2025-01-31. Review status: criteria provided, single submitter. Criteria: Myriad Autosomal Dominant, Autosomal Recessive and X-Linked Classification Criteria (2023). Collection method: clinical testing. Allele origin: unknown.
Comment: This variant is considered benign. This variant is a silent/synonymous amino acid change and it is not expected to impact splicing.

Ambry Genetics
Classification: Likely benign for Hereditary cancer-predisposing syndrome. Last evaluated: 2024-04-22. Review status: criteria provided, single submitter. Criteria: Ambry Variant Classification Scheme 2023. Collection method: clinical testing. Allele origin: germline.

Labcorp Genetics (formerly Invitae), Labcorp
Classification: Likely benign for Hereditary nonpolyposis colorectal neoplasms. Last evaluated: 2023-12-08. Review status: criteria provided, single submitter. Criteria: Invitae Variant Classification Sherloc (09022015). Collection method: clinical testing. Allele origin: germline.

Color Diagnostics, LLC DBA Color Health
Classification: Likely benign for Hereditary cancer-predisposing syndrome. Last evaluated: 2018-12-10. Review status: criteria provided, single submitter. Criteria: ACMG Guidelines, 2015. Collection method: clinical testing. Allele origin: germline.

NM_000535.7(PMS2):c.1860T>C (p.Phe620=)

Gene: PMS2 (PMS1 homolog 2, mismatch repair system component; minus strand). Cytogenetic location: 7p22.1.
Variant type: single nucleotide variant.
Coding change: c.1860T>C on transcript NM_000535.7 (MANE Select); coding-DNA position 1860, T replaced by C.
Protein change: p.Phe620=; no amino-acid change (phenylalanine 620 retained).
Molecular consequence: synonymous variant. On other transcripts: non-coding transcript variant (1).
Genome position (GRCh38, 1-based): chr7:5,986,905, A>G on the plus strand (T>C on the coding strand, the complement: PMS2 is on the minus strand). VCF-style: chr7-5986905-A-G. GRCh37 (hg19) VCF-style: chr7-6026536-A-G.
Other names: c.1455T>C, p.Phe485= (NM_001322003.2, NM_001322004.2, NM_001322005.2 and 1 more transcripts); c.1704T>C, p.Phe568= (NM_001322006.2); c.1542T>C, p.Phe514= (NM_001322007.2, NM_001322008.2); c.1299T>C, p.Phe433= (NM_001322010.2); c.927T>C, p.Phe309= (NM_001322011.2, NM_001322012.2); c.1287T>C, p.Phe429= (NM_001322013.2); c.1860T>C, p.Phe620= (NM_001322014.2); c.1551T>C, p.Phe517= (NM_001322015.2).
Identifiers: ClinVar variation 755437 (VCV000755437.16), dbSNP rs1583314594, ClinGen allele CA453745755.
Genomic context (GRCh38, chr7:5,986,905, plus strand): 5'-TTCACTTTGCTGTGCTTCATGATGTAACTGCTTTATTCGTTTAGCTAAAGAACTCATAGA[A>G]AAGTCCAGGGGCACAACTTTCTTATTAATTTTCACAGCTACATCAACCTGAGAGGCTGAC-3'
Protein context (NP_000526.2, residues 610-630): KINKKVVPLD[Phe620=]SMSSLAKRIK